The following is an entry in ClinVar:

ClinVar aggregate classification (germline): Uncertain significance (1 of 4 stars; one submission).

Submission:

GeneDx
Classification: Uncertain significance. Last evaluated: 2021-04-15. Review status: criteria provided, single submitter. Criteria: GeneDx Variant Classification Process June 2021. Collection method: clinical testing. Allele origin: germline. Affected: yes.
Comment: Frameshift variant predicted to result in protein truncation or nonsense mediated decay in a gene for which loss-of-function is not a known mechanism of disease; Not observed in large population cohorts (Lek et al., 2016); Has not been previously published as pathogenic or benign to our knowledge

NM_000810.4(GABRA5):c.55del (p.Cys19fs)

Gene: GABRA5 (gamma-aminobutyric acid type A receptor subunit alpha5; plus strand). Cytogenetic location: 15q12.
Variant type: Deletion.
Coding change: c.55del on transcript NM_000810.4 (MANE Select); coding-DNA position 55, one base deleted (T; older notation c.55delT).
Protein change: p.Cys19fs; shifts the reading frame from cysteine 19.
Molecular consequence: frameshift variant.
Genome position (GRCh38, 1-based): chr15:26,869,303, T deleted; the last of 4 consecutive T bases (chr15:26,869,300-26,869,303); deleting any one gives the same sequence. VCF-style (leftmost placement, unchanged base first): chr15-26869299-CT-C. GRCh37 (hg19) VCF-style: chr15-27114446-CT-C.
Other names: c.55del, p.Cys19fs (NM_001165037.2); short protein forms C19fs.
Identifiers: ClinVar variation 1314613 (VCV001314613.2), dbSNP rs2140239590, ClinGen allele CA2573053976.
Genomic context (GRCh38, chr15:26,869,299, plus strand): 5'-CTTATTGGGAATGGACAATGGAATGTTCTCTGGTTTTATCATGATCAAAAACCTCCTTCT[CT>C]TTTGTATTTCCATGAACTTATCCAGTCACTTTGGGTAAGTTACCATCTGTGCTTTTATTT-3'